The following is an entry in ClinVar:

ClinVar aggregate classification (germline): Uncertain significance (1 of 4 stars; one submission).

Conditions:
Hereditary cancer-predisposing syndrome. Also called: Tumor predisposition; Neoplastic Syndromes, Hereditary; Hereditary neoplastic syndrome; Hereditary Cancer Syndrome. Identifiers: Orphanet 140162, MedGen C0027672, MeSH D009386, MONDO:0015356.

Submission:

Ambry Genetics
Classification: Uncertain significance for Hereditary cancer-predisposing syndrome. Last evaluated: 2025-08-27. Review status: criteria provided, single submitter. Criteria: Ambry Variant Classification Scheme 2023. Collection method: clinical testing. Allele origin: germline.
Comment: The p.P367H variant (also known as c.1100C>A), located in coding exon 12 of the MUTYH gene, results from a C to A substitution at nucleotide position 1100. The proline at codon 367 is replaced by histidine, an amino acid with similar properties. This amino acid position is conserved. In addition, the in silico prediction for this alteration is inconclusive. Based on the available evidence, the clinical significance of this variant remains unclear.

NM_001048174.2(MUTYH):c.1016C>A (p.Pro339His)

Gene: MUTYH (mutY DNA glycosylase; minus strand). Cytogenetic location: 1p34.1.
Variant type: single nucleotide variant.
Coding change: c.1016C>A on transcript NM_001048174.2 (MANE Select); coding-DNA position 1016, C replaced by A.
Protein change: p.Pro339His; replaces proline 339 with histidine.
Molecular consequence: missense variant. On other transcripts: non-coding transcript variant (7).
Genome position (GRCh38, 1-based): chr1:45,331,747, G>T on the plus strand (C>A on the coding strand, the complement: MUTYH is on the minus strand). VCF-style: chr1-45331747-G-T. GRCh37 (hg19) VCF-style: chr1-45797419-G-T.
Other names: c.1016C>A, p.Pro339His (NM_001048171.2, NM_001048173.2, NM_001293195.2 and 6 more transcripts); c.1019C>A, p.Pro340His (NM_001048172.2, NM_001407071.1, NM_001407078.1 and 1 more transcripts); c.1100C>A, p.Pro367His (NM_001128425.2); c.1061C>A, p.Pro354His (NM_001293190.2); c.740C>A, p.Pro247His (NM_001293192.2, NM_001293196.2, NM_001407091.1); c.1049C>A, p.Pro350His (NM_001293191.2, NM_001407069.1, NM_001407077.1); c.671C>A, p.Pro224His (NM_001350650.2, NM_001350651.2, NM_001407082.1); c.932C>A, p.Pro311His (NM_001407075.1); and 5 more; short protein forms P224H, P325H, P346H, P364H, P247H, P340H, P354H, P326H.
Identifiers: ClinVar variation 4113012 (VCV004113012.1).